The following is an entry in ClinVar:

NM_004287.5(GOSR2):c.587G>C (p.Gly196Ala)

Genes: LRRC37A2 (leucine rich repeat containing 37 member A2), GOSR2 (golgi SNAP receptor complex member 2; plus strand). Cytogenetic location: 17q21.32.
Variant type: single nucleotide variant.
Coding change: c.587G>C on transcript NM_004287.5 (MANE Select); coding-DNA position 587, G replaced by C.
Protein change: p.Gly196Ala; replaces glycine 196 with alanine.
Molecular consequence: missense variant. On other transcripts: intron variant (3).
Genome position (GRCh38, 1-based): chr17:46,938,708, G>C. VCF-style: chr17-46938708-G-C. GRCh37 (hg19) VCF-style: chr17-45016074-G-C.
Other names: c.392G>C, p.Gly131Ala (NM_001321134.2); c.446G>C, p.Gly149Ala (NM_001330252.2); c.584G>C, p.Gly195Ala (NM_001353114.2); c.443G>C, p.Gly148Ala (NM_001353115.2); c.533G>C, p.Gly178Ala (NM_001363851.2); c.583+4G>C (NM_001321133.2, NM_054022.4); c.439+4G>C (NM_001353116.2); short protein forms G131A, G148A, G149A, G178A, G195A, G196A.
Identifiers: ClinVar variation 1308401 (VCV001308401.2), dbSNP rs2147051308, ClinGen allele CA400019145.

ClinVar aggregate classification (germline): Uncertain significance (1 of 4 stars; one submission).

Submission:

GeneDx
Classification: Uncertain significance. Last evaluated: 2020-04-30. Review status: criteria provided, single submitter. Criteria: GeneDx Variant Classification Process June 2021. Collection method: clinical testing. Allele origin: germline. Affected: yes.
Comment: Not observed in large population cohorts (Lek et al., 2016); Has not been previously published as pathogenic or benign to our knowledge